The following is an entry in ClinVar:

GRCh38/hg38 16p11.2(chr16:29617341-30158191)x3

Genes: ALDOA (aldolase, fructose-bisphosphate A; plus strand), ASPHD1 (aspartate beta-hydroxylase domain containing 1; plus strand), C16orf54 (chromosome 16 open reading frame 54; minus strand), CDIPT (CDP-diacylglycerol--inositol 3-phosphatidyltransferase; minus strand), CDIPTOSP (CDIP transferase opposite strand, pseudogene; plus strand) and 91 more. Cytogenetic location: 16p11.2.
Variant type: copy number gain.
Change: copy number 3 (three copies instead of two) of chr16:29,617,341-30,158,191 (540.9 kb, GRCh38 coordinates, 1-based), cytogenetic band 16p11.2.
Identifiers: ClinVar variation 4529470 (VCV004529470.1).

ClinVar aggregate classification (germline): Pathogenic (1 of 4 stars; one submission).

Conditions:
Chromosome 16p11.2 duplication syndrome. Identifiers: Orphanet 370079, MedGen C3553407, MONDO:0013847, OMIM 614671.

Submission:

Kasturba Medical College, Manipal, Kasturba Medical College, Manipal, Manipal Academy of Higher Education, Manipal, India
Classification: Pathogenic for Chromosome 16p11.2 duplication syndrome. Last evaluated: 2025-11-10. Review status: criteria provided, single submitter. Criteria: ACMG/ClinGen CNV Guidelines, 2019. Collection method: research. Allele origin: unknown. Inheritance: Autosomal dominant inheritance. Affected: yes. Observed: 1 heterozygote.
Comment: Copy number variant (CNV) analysis using the exome sequencing data revealed a heterozygous duplication in chromosome 16 at the cytoband p11.2. Validation of the CNV by chromosomal microarray (CMA), confirmed a known pathogenic 541 kb heterozygous duplication at cytoband 16p11.2 {arr[GRCh38] 16p11.2(29617341_30158191)x3}. The heterozygous duplication on chromosome 16 is associated with 16p11.2 microduplication syndrome (MIM#614671).